The following is an entry in ClinVar:

NM_000232.5(SGCB):c.-12_23dup (p.Ala9fs)

Genes: SGCB (sarcoglycan beta; minus strand), LOC129992585 (ATAC-STARR-seq lymphoblastoid silent region 15421; plus strand). Cytogenetic location: 4q12.
Variant type: Duplication.
Coding change: c.-12_23dup on transcript NM_000232.5 (MANE Select); 12 bases upstream of the start codon through coding-DNA position 23, 35 bases duplicated.
Protein change: p.Ala9fs; shifts the reading frame from alanine 9.
Molecular consequence: frameshift variant, initiator codon variant.
Genome position (GRCh38, 1-based): chr4:52,038,237-52,038,271, 35 bases duplicated; duplicating any 35 consecutive bases within chr4:52,038,237-52,038,281 gives the same sequence; the c. name uses the placement nearest the transcript's 3' end. GRCh37 (hg19): chr4:52,904,413-52,904,447.
Other names: short protein forms A9fs.
Identifiers: ClinVar variation 2852462 (VCV002852462.3), dbSNP rs2475237395, ClinGen allele CA2739270062.

ClinVar aggregate classification (germline): Pathogenic (1 of 4 stars; one submission).

Conditions:
Autosomal recessive limb-girdle muscular dystrophy type 2E (LGMDR4). Also called: MUSCULAR DYSTROPHY, LIMB-GIRDLE, AUTOSOMAL RECESSIVE 4. Identifiers: Orphanet 119, MedGen C1858593, MONDO:0011423, OMIM 604286. Disease mechanism: Affects gamma-sarcoglycan and also disrupts the integrity of the entire sarcoglycan complex..

Submission:

Labcorp Genetics (formerly Invitae), Labcorp
Classification: Pathogenic for Autosomal recessive limb-girdle muscular dystrophy type 2E. Last evaluated: 2023-12-08. Review status: criteria provided, single submitter. Criteria: Invitae Variant Classification Sherloc (09022015). Collection method: clinical testing. Allele origin: germline.
Comment: This sequence change creates a premature translational stop signal (p.Ala9Glyfs*22) in the SGCB gene. It is expected to result in an absent or disrupted protein product. Loss-of-function variants in SGCB are known to be pathogenic (PMID: 15938573, 18285821). This variant is not present in population databases (gnomAD no frequency). This variant has not been reported in the literature in individuals affected with SGCB-related conditions. Experimental studies and prediction algorithms are not available or were not evaluated, and the functional significance of this variant is currently unknown. For these reasons, this variant has been classified as Pathogenic.

Literature cited by the submitters: PubMed 15938573; PubMed 18285821.